The following is an entry in ClinVar:

NM_032119.4(ADGRV1):c.5154C>T (p.Asp1718=)

Gene: ADGRV1 (adhesion G protein-coupled receptor V1; plus strand). Cytogenetic location: 5q14.3.
Variant type: single nucleotide variant.
Coding change: c.5154C>T on transcript NM_032119.4 (MANE Select); coding-DNA position 5154, C replaced by T.
Protein change: p.Asp1718=; no amino-acid change (aspartic acid 1718 retained).
Molecular consequence: synonymous variant. On other transcripts: non-coding transcript variant (1).
Genome position (GRCh38, 1-based): chr5:90,675,286, C>T. VCF-style: chr5-90675286-C-T. GRCh37 (hg19) VCF-style: chr5-89971103-C-T.
Identifiers: ClinVar variation 1155627 (VCV001155627.14), dbSNP rs371138490, ClinGen allele CA3339505.
Genomic context (GRCh38, chr5:90,675,286, plus strand): 5'-CCCTTTGTCTCCACTAGGCTTGCTGCAGTTCTCCACAGGGCTGCCTCCTCAGCCTAAGGA[C>T]GCAATGACCCTGCCTGCAAGCAGCGTTCCACATATCACTGTGGAGGAGGAAGATGGAGAA-3'
Protein context (NP_115495.3, residues 1708-1728): FSTGLPPQPK[Asp1718=]AMTLPASSVP

ClinVar aggregate classification (germline): Likely benign. Review status: criteria provided, multiple submitters, no conflicts (2 of 4 stars). 4 submissions from 4 submitters: Likely benign (4). Last evaluated 2026-01-13.

Conditions:
ADGRV1-related disorder. Also called: ADGRV1-related disorders; ADGRV1-related condition.

Allele frequency attached by ClinVar (database versions not stated): gnomAD exomes 0.00003 and 0.00006; ExAC 0.00009; 1000 Genomes Project 30x 0.00016; gnomAD 0.00019 and 0.00020; 1000 Genomes Project 0.00020; TOPMed 0.00022; ESP Exome Variant Server 0.00032.
gnomAD v4.1: 82 of 1,613,754 alleles (0.0051%); highest among the groups gnomAD compares: African/African-American, 0.044%; 1 homozygote.

Submissions (4):

Labcorp Genetics (formerly Invitae), Labcorp
Classification: Likely benign. Last evaluated: 2026-01-13. Review status: criteria provided, single submitter. Criteria: Invitae Variant Classification Sherloc (09022015). Collection method: clinical testing. Allele origin: germline.

PreventionGenetics, part of Exact Sciences
Classification: Likely benign for ADGRV1-related condition. Last evaluated: 2025-04-15. Review status: criteria provided, single submitter. Criteria: ACMG Guidelines, 2015. Collection method: clinical testing. Allele origin: germline.
Comment: This variant is classified as likely benign based on ACMG/AMP sequence variant interpretation guidelines (Richards et al. 2015 PMID: 25741868, with internal and published modifications).

Blueprint Genetics
Classification: Likely benign. Last evaluated: 2024-07-16. Review status: criteria provided, single submitter. Criteria: ACMG Guidelines, 2015. Collection method: clinical testing. Allele origin: germline.

GeneDx
Classification: Likely benign. Last evaluated: 2020-08-28. Review status: criteria provided, single submitter. Criteria: GeneDx Variant Classification Process June 2021. Collection method: clinical testing. Allele origin: germline. Affected: yes.